The following is an entry in ClinVar:

ClinVar aggregate classification (germline): Conflicting classifications of pathogenicity. Review status: criteria provided, conflicting classifications (1 of 4 stars). 4 submissions from 4 submitters: Uncertain significance (2); Likely benign (2). Last evaluated 2025-10-02.

Conditions:
Inborn genetic diseases. Identifiers: MedGen C0950123, MeSH D030342.
ANKRD26-related disorder. Also called: ANKRD26-related condition.

Allele frequency attached by ClinVar (database versions not stated): ExAC 0.00009; gnomAD 0.00019; TOPMed 0.00019; 1000 Genomes Project 30x 0.00078; 1000 Genomes Project 0.00080.
gnomAD v4.1: 63 of 1,612,814 alleles (0.0039%); highest among the groups gnomAD compares: African/African-American, 0.067%; no homozygotes.

Submissions (4):

PreventionGenetics, part of Exact Sciences
Classification: Likely benign for ANKRD26-related condition. Last evaluated: 2025-10-02. Review status: criteria provided, single submitter. Criteria: ACMG Guidelines, 2015. Collection method: clinical testing. Allele origin: germline.
Comment: This variant is classified as likely benign based on ACMG/AMP sequence variant interpretation guidelines (Richards et al. 2015 PMID: 25741868, with internal and published modifications).

Ambry Genetics
Classification: Uncertain significance for Inborn genetic diseases. Last evaluated: 2025-08-08. Review status: criteria provided, single submitter. Criteria: Ambry Variant Classification Scheme 2023. Collection method: clinical testing. Allele origin: germline.

Labcorp Genetics (formerly Invitae), Labcorp
Classification: Uncertain significance. Last evaluated: 2025-05-24. Review status: criteria provided, single submitter. Criteria: Invitae Variant Classification Sherloc (09022015). Collection method: clinical testing. Allele origin: germline.
Comment: This sequence change replaces valine, which is neutral and non-polar, with aspartic acid, which is acidic and polar, at codon 1120 of the ANKRD26 protein (p.Val1120Asp). This variant is present in population databases (rs141117640, gnomAD 0.07%), and has an allele count higher than expected for a pathogenic variant. This variant has not been reported in the literature in individuals affected with ANKRD26-related conditions. ClinVar contains an entry for this variant (Variation ID: 2883276). An algorithm developed to predict the effect of missense changes on protein structure and function outputs the following: PolyPhen-2: "Benign". The aspartic acid amino acid residue is found in multiple mammalian species, which suggests that this missense change does not adversely affect protein function. In summary, the available evidence is currently insufficient to determine the role of this variant in disease. Therefore, it has been classified as a Variant of Uncertain Significance.

Blueprint Genetics
Classification: Likely benign. Last evaluated: 2023-10-06. Review status: criteria provided, single submitter. Criteria: ACMG Guidelines, 2015. Collection method: clinical testing. Allele origin: germline.

NM_014915.3(ANKRD26):c.3359T>A (p.Val1120Asp)

Gene: ANKRD26 (ankyrin repeat domain 26; minus strand). Cytogenetic location: 10p12.1.
Variant type: single nucleotide variant.
Coding change: c.3359T>A on transcript NM_014915.3 (MANE Select); coding-DNA position 3359, T replaced by A.
Protein change: p.Val1120Asp; replaces valine 1120 with aspartic acid.
Molecular consequence: missense variant.
Genome position (GRCh38, 1-based): chr10:27,035,091, A>T on the plus strand (T>A on the coding strand, the complement: ANKRD26 is on the minus strand). VCF-style: chr10-27035091-A-T. GRCh37 (hg19) VCF-style: chr10-27324020-A-T.
Other names: c.3356T>A, p.Val1119Asp (NM_001256053.2); short protein forms V1119D, V1120D.
Identifiers: ClinVar variation 2883276 (VCV002883276.7), dbSNP rs141117640, ClinGen allele CA5448052.